The following is an entry in ClinVar:

ClinVar aggregate classification (germline): Benign. Review status: criteria provided, multiple submitters, no conflicts (2 of 4 stars). 4 submissions from 3 submitters: Benign (4). Last evaluated 2018-10-05.

Conditions:
Nephropathic cystinosis (CTNS). Also called: CYSTINOSIN, DEFECT OF; LYSOSOMAL CYSTINE TRANSPORT PROTEIN, DEFECT OF; Abderhalden Lignac Kaufmann disease; Abderhalden-Kaufmann-Lignac syndrome. Identifiers: Orphanet 213, Orphanet 411629, MedGen C2931187, MONDO:0100151, OMIM 219800.
Ocular cystinosis. Also called: Non-Nephropathic Cystinosis; Non-Nephropathic (Ocular) Cystinosis. Identifiers: Orphanet 213, Orphanet 411641, MedGen C2931013, MONDO:0009064, OMIM 219750.

Allele frequency attached by ClinVar (database versions not stated): 1000 Genomes Project 30x 0.04888; TOPMed 0.05777; gnomAD exomes 0.07218; 1000 Genomes Project 0.04932; gnomAD 0.05976 and 0.06011.
gnomAD v4.1: 13,519 of 211,556 alleles (6.4%); highest among the groups gnomAD compares: Middle Eastern, 12%; 478 homozygotes.

Submissions (4):

GeneDx
Classification: Benign. Last evaluated: 2018-10-05. Review status: criteria provided, single submitter. Criteria: GeneDx Variant Classification Process June 2021. Collection method: clinical testing. Allele origin: germline. Affected: yes.

Illumina Laboratory Services, Illumina
Classification: Benign for Nephropathic cystinosis. Last evaluated: 2018-01-13. Review status: criteria provided, single submitter. Criteria: ICSL Variant Classification Criteria 13 December 2019. Collection method: clinical testing. Allele origin: germline.
Comment: This variant was observed in the ICSL laboratory as part of a predisposition screen in an ostensibly healthy population. It had not been previously curated by ICSL or reported in the Human Gene Mutation Database (HGMD: prior to June 1st, 2018), and was therefore a candidate for classification through an automated scoring system. Utilizing variant allele frequency, disease prevalence and penetrance estimates, and inheritance mode, an automated score was calculated to assess if this variant is too frequent to cause the disease. Based on the score and internal cut-off values, a variant classified as benign is not then subjected to further curation. The score for this variant resulted in a classification of benign for this disease.

Illumina Laboratory Services, Illumina
Classification: Benign for Ocular cystinosis. Last evaluated: 2018-01-13. Review status: criteria provided, single submitter. Criteria: ICSL Variant Classification Criteria 13 December 2019. Collection method: clinical testing. Allele origin: germline.
Comment: the same text as in the submission from Illumina Laboratory Services, Illumina above.

Breakthrough Genomics
Classification: Benign. Review status: criteria provided, single submitter. Criteria: ACMG Guidelines, 2015. Collection method: not provided. Allele origin: germline. Inheritance: Autosomal recessive inheritance. Affected: yes.

NM_004937.2(CTNS):c.-458C>T

Genes: CTNS (cystinosin, lysosomal cystine transporter; plus strand), LOC130059980 (ATAC-STARR-seq lymphoblastoid active region 11511; plus strand). Cytogenetic location: 17p13.2.
Variant type: single nucleotide variant.
Coding change: c.-458C>T on transcript NM_004937.2; 458 bases upstream of the start codon, C replaced by T.
Molecular consequence: 5 prime UTR variant (on NM_001031681.3).
Genome position (GRCh38, 1-based): chr17:3,636,603, C>T. VCF-style: chr17-3636603-C-T. GRCh37 (hg19) VCF-style: chr17-3539897-C-T.
Other names: c.-335C>T (NM_001031681.3).
Identifiers: ClinVar variation 322818 (VCV000322818.9), dbSNP rs11657606, ClinGen allele CA10649091.